The following is an entry in ClinVar:

NM_001036.6(RYR3):c.3280G>A (p.Val1094Met)

Gene: RYR3 (ryanodine receptor 3; plus strand). Cytogenetic location: 15q14.
Variant type: single nucleotide variant.
Coding change: c.3280G>A on transcript NM_001036.6 (MANE Select); coding-DNA position 3280, G replaced by A.
Protein change: p.Val1094Met; replaces valine 1094 with methionine.
Molecular consequence: missense variant.
Genome position (GRCh38, 1-based): chr15:33,635,718, G>A. VCF-style: chr15-33635718-G-A. GRCh37 (hg19) VCF-style: chr15-33927919-G-A.
Other names: c.3280G>A, p.Val1094Met (NM_001243996.4); short protein forms V1094M.
Identifiers: ClinVar variation 2762374 (VCV002762374.3), dbSNP rs765978043, ClinGen allele CA268576411.

ClinVar aggregate classification (germline): Uncertain significance (1 of 4 stars; one submission).

Conditions:
Epileptic encephalopathy. Identifiers: MedGen C0543888, HP:0200134.

Allele frequency attached by ClinVar (database versions not stated): gnomAD exomes below 0.00001.
gnomAD v4.1: 2 of 1,613,990 alleles (0.00012%); highest among the groups gnomAD compares: Non-Finnish European, 0.00017%; no homozygotes.

Submission:

Labcorp Genetics (formerly Invitae), Labcorp
Classification: Uncertain significance for Epileptic encephalopathy. Last evaluated: 2023-11-01. Review status: criteria provided, single submitter. Criteria: Invitae Variant Classification Sherloc (09022015). Collection method: clinical testing. Allele origin: germline.
Comment: This sequence change replaces valine, which is neutral and non-polar, with methionine, which is neutral and non-polar, at codon 1094 of the RYR3 protein (p.Val1094Met). This variant is not present in population databases (gnomAD no frequency). This variant has not been reported in the literature in individuals affected with RYR3-related conditions. An algorithm developed to predict the effect of missense changes on protein structure and function (PolyPhen-2) suggests that this variant is likely to be disruptive. In summary, the available evidence is currently insufficient to determine the role of this variant in disease. Therefore, it has been classified as a Variant of Uncertain Significance.